The following is an entry in ClinVar:

ClinVar aggregate classification (germline): Uncertain significance (1 of 4 stars; one submission).

Allele frequency attached by ClinVar (database versions not stated): gnomAD exomes below 0.00001; ExAC 0.00001.
gnomAD v4.1: 1 of 1,589,986 alleles (0.000063%); highest among the groups gnomAD compares: East Asian, 0.0023%; no homozygotes.

Submission:

Labcorp Genetics (formerly Invitae), Labcorp
Classification: Uncertain significance. Last evaluated: 2021-07-04. Review status: criteria provided, single submitter. Criteria: Invitae Variant Classification Sherloc (09022015). Collection method: clinical testing. Allele origin: germline.
Comment: This variant is present in population databases (rs755282653, ExAC 0.01%). This sequence change replaces proline with serine at codon 153 of the TNFRSF11A protein (p.Pro153Ser). The proline residue is highly conserved and there is a moderate physicochemical difference between proline and serine. This variant has not been reported in the literature in individuals affected with TNFRSF11A-related conditions. In summary, the available evidence is currently insufficient to determine the role of this variant in disease. Therefore, it has been classified as a Variant of Uncertain Significance. Algorithms developed to predict the effect of missense changes on protein structure and function are either unavailable or do not agree on the potential impact of this missense change (SIFT: "Deleterious"; PolyPhen-2: "Benign"; Align-GVGD: "Class C0").

NM_003839.4(TNFRSF11A):c.457C>T (p.Pro153Ser)

Gene: TNFRSF11A (TNF receptor superfamily member 11a; plus strand). Cytogenetic location: 18q21.33.
Variant type: single nucleotide variant.
Coding change: c.457C>T on transcript NM_003839.4 (MANE Select); coding-DNA position 457, C replaced by T.
Protein change: p.Pro153Ser; replaces proline 153 with serine.
Molecular consequence: missense variant. On other transcripts: intron variant (1).
Genome position (GRCh38, 1-based): chr18:62,358,277, C>T. VCF-style: chr18-62358277-C-T. GRCh37 (hg19) VCF-style: chr18-60025510-C-T.
Other names: c.457C>T, p.Pro153Ser (NM_001270949.2, NM_001270950.2, NM_001270951.2); c.428-13C>T (NM_001278268.2); short protein forms P153S.
Identifiers: ClinVar variation 1365931 (VCV001365931.8), dbSNP rs755282653, ClinGen allele CA8983768.